The following is an entry in ClinVar:

NM_004656.4(BAP1):c.169C>A (p.Arg57=)

Gene: BAP1 (BRCA1 associated deubiquitinase 1; minus strand). Cytogenetic location: 3p21.1.
Variant type: single nucleotide variant.
Coding change: c.169C>A on transcript NM_004656.4 (MANE Select); coding-DNA position 169, C replaced by A.
Protein change: p.Arg57=; no amino-acid change (arginine 57 retained).
Molecular consequence: synonymous variant.
Genome position (GRCh38, 1-based): chr3:52,408,560, G>T on the plus strand (C>A on the coding strand, the complement: BAP1 is on the minus strand). VCF-style: chr3-52408560-G-T. GRCh37 (hg19) VCF-style: chr3-52442576-G-T.
Identifiers: ClinVar variation 629724 (VCV000629724.12), dbSNP rs1397771498, ClinGen allele CA433778215.

ClinVar aggregate classification (germline): Benign/Likely benign. Review status: criteria provided, multiple submitters, no conflicts (2 of 4 stars). 4 submissions from 4 submitters: Benign (1); Likely benign (3). Last evaluated 2024-07-11.

Conditions:
Hereditary cancer-predisposing syndrome. Also called: Neoplastic Syndromes, Hereditary; Tumor predisposition; Hereditary neoplastic syndrome; Hereditary Cancer Syndrome. Identifiers: Orphanet 140162, MedGen C0027672, MeSH D009386, MONDO:0015356.
BAP1-related tumor predisposition syndrome (TPDS1). Also called: Tumor susceptibility linked to germline BAP1 mutations; BAP1 tumor predisposition syndrome; TUMOR PREDISPOSITION SYNDROME 1; COMMON Syndrome. Identifiers: Orphanet 289539, MedGen C3280492, MONDO:0013692, OMIM 614327.

Submissions (4):

Myriad Genetics, Inc.
Classification: Benign for BAP1-related tumor predisposition syndrome. Last evaluated: 2024-07-11. Review status: criteria provided, single submitter. Criteria: Myriad Autosomal Dominant, Autosomal Recessive and X-Linked Classification Criteria (2023). Collection method: clinical testing. Allele origin: unknown.
Comment: This variant is considered benign. This variant is a silent/synonymous amino acid change and it is not expected to impact splicing.

Labcorp Genetics (formerly Invitae), Labcorp
Classification: Likely benign for BAP1-related tumor predisposition syndrome. Last evaluated: 2023-06-16. Review status: criteria provided, single submitter. Criteria: Invitae Variant Classification Sherloc (09022015). Collection method: clinical testing. Allele origin: germline.

Ambry Genetics
Classification: Likely benign for Hereditary cancer-predisposing syndrome. Last evaluated: 2022-05-28. Review status: criteria provided, single submitter. Criteria: Ambry Variant Classification Scheme 2023. Collection method: clinical testing. Allele origin: germline.

Color Diagnostics, LLC DBA Color Health
Classification: Likely benign for Hereditary cancer-predisposing syndrome. Last evaluated: 2018-10-19. Review status: criteria provided, single submitter. Criteria: ACMG Guidelines, 2015. Collection method: clinical testing. Allele origin: germline.